The following is an entry in ClinVar:

ClinVar aggregate classification (germline): Uncertain significance (1 of 4 stars; one submission).

Allele frequency attached by ClinVar (database versions not stated): gnomAD exomes 0.00002.
gnomAD v4.1: 22 of 1,613,840 alleles (0.0014%); highest among the groups gnomAD compares: Non-Finnish European, 0.0019%; no homozygotes.

Submission:

Laboratory for Molecular Medicine, Mass General Brigham Personalized Medicine
Classification: Uncertain significance. Last evaluated: 2016-03-28. Review status: criteria provided, single submitter. Criteria: LMM Criteria. Collection method: clinical testing. Allele origin: germline.
Comment: Variant identified in a genome or exome case(s) and assessed due to predicted null impact of the variant or pathogenic assertions in the literature or databases. Disclaimer: This variant has not undergone full assessment. The following are preliminary notes: Variants in this gene are reported to cause increased risk of systemic bacterial infections due to decreased complement activity. However, there is no available information on this variant.

NM_000065.5(C6):c.878T>G (p.Ile293Ser)

Gene: C6 (complement C6; minus strand). Cytogenetic location: 5p13.1.
Variant type: single nucleotide variant.
Coding change: c.878T>G on transcript NM_000065.5 (MANE Select); coding-DNA position 878, T replaced by G.
Protein change: p.Ile293Ser; replaces isoleucine 293 with serine.
Molecular consequence: missense variant.
Genome position (GRCh38, 1-based): chr5:41,181,408, A>C on the plus strand (T>G on the coding strand, the complement: C6 is on the minus strand). VCF-style: chr5-41181408-A-C. GRCh37 (hg19) VCF-style: chr5-41181510-A-C.
Other names: c.878T>G, p.Ile293Ser (NM_001115131.4); short protein forms I293S.
Identifiers: ClinVar variation 402460 (VCV000402460.4), dbSNP rs966341758, ClinGen allele CA16609730.